The following is an entry in ClinVar:

NM_000238.4(KCNH2):c.982C>A (p.Arg328Ser)

Gene: KCNH2 (potassium voltage-gated channel subfamily H member 2; minus strand). Cytogenetic location: 7q36.1.
Variant type: single nucleotide variant.
Coding change: c.982C>A on transcript NM_000238.4 (MANE Select); coding-DNA position 982, C replaced by A.
Protein change: p.Arg328Ser; replaces arginine 328 with serine.
Molecular consequence: missense variant. On other transcripts: non-coding transcript variant (1).
Genome position (GRCh38, 1-based): chr7:150,957,437, G>T on the plus strand (C>A on the coding strand, the complement: KCNH2 is on the minus strand). VCF-style: chr7-150957437-G-T. GRCh37 (hg19) VCF-style: chr7-150654525-G-T.
Other names: c.694C>A, p.Arg232Ser (NM_001406753.1, NM_001406756.1); c.805C>A, p.Arg269Ser (NM_001406755.1); c.682C>A, p.Arg228Ser (NM_001406757.1); c.982C>A, p.Arg328Ser (NM_172056.3); short protein forms R228S, R232S, R269S, R328S.
Identifiers: ClinVar variation 3072970 (VCV003072970.1), dbSNP rs199473505, ClinGen allele CA369861724.
Genomic context (GRCh38, chr7:150,957,437, plus strand): 5'-AGGGGTCGCCCTTGAGGTCCACAAAGTTGAGGGTGATTTGGGGAATCTTGCTAATGGTGC[G>T]GTAGCGCACGAGGTCGGAGTCCGAGGTGGAGTTGAGCAAGCCGCTGCGCAGTGGGTGCAT-3'
Protein context (NP_000229.1, residues 318-338): STSDSDLVRY[Arg328Ser]TISKIPQITL

ClinVar aggregate classification (germline): Uncertain significance (1 of 4 stars; one submission).

Conditions:
Long QT syndrome (LQTS). Identifiers: MedGen C0023976, MeSH D008133, MONDO:0002442. Disease mechanism: loss of function. Inheritance: Various modes of inheritance.

Submission:

All of Us Research Program, National Institutes of Health
Classification: Uncertain significance for Long QT syndrome. Last evaluated: 2023-08-15. Review status: criteria provided, single submitter. Criteria: ACMG Guidelines, 2015. Collection method: clinical testing. Allele origin: germline. Inheritance: Autosomal dominant inheritance. Observed: 1 variant allele, 1 heterozygote.
Comment: This missense variant replaces arginine with serine at codon 328 of the KCNH2 protein. Computational prediction is inconclusive regarding the impact of this variant on protein structure and function (internally defined REVEL score threshold 0.5 < inconclusive < 0.7, PMID: 27666373). To our knowledge, functional studies have not been reported for this variant. This variant has not been reported in individuals affected with KCNH2-related disorders in the literature. This variant has not been identified in the general population by the Genome Aggregation Database (gnomAD). The available evidence is insufficient to determine the role of this variant in disease conclusively. Therefore, this variant is classified as a Variant of Uncertain Significance.

This study involves interpretation of variants in research participants for the purpose of population health screening. Participant phenotype was not available at the time of variant classification. Additional details can be found in publication PMID: 35346344, PMCID: PMC8962531